The following is an entry in ClinVar:

NM_031935.3(HMCN1):c.5546T>C (p.Ile1849Thr)

Gene: HMCN1 (hemicentin 1; plus strand). Cytogenetic location: 1q31.1.
Variant type: single nucleotide variant.
Coding change: c.5546T>C on transcript NM_031935.3 (MANE Select); coding-DNA position 5546, T replaced by C.
Protein change: p.Ile1849Thr; replaces isoleucine 1849 with threonine.
Molecular consequence: missense variant.
Genome position (GRCh38, 1-based): chr1:186,019,616, T>C. VCF-style: chr1-186019616-T-C. GRCh37 (hg19) VCF-style: chr1-185988748-T-C.
Other names: short protein forms I1849T.
Identifiers: ClinVar variation 1948001 (VCV001948001.5), dbSNP rs756344375, ClinGen allele CA1292294.

ClinVar aggregate classification (germline): Uncertain significance (1 of 4 stars; one submission).

gnomAD v4.1: 1 of 1,610,718 alleles (0.000062%); highest among the groups gnomAD compares: East Asian, 0.0022%; no homozygotes.

Submission:

Labcorp Genetics (formerly Invitae), Labcorp
Classification: Uncertain significance. Last evaluated: 2022-08-08. Review status: criteria provided, single submitter. Criteria: Invitae Variant Classification Sherloc (09022015). Collection method: clinical testing. Allele origin: germline.
Comment: In summary, the available evidence is currently insufficient to determine the role of this variant in disease. Therefore, it has been classified as a Variant of Uncertain Significance. Algorithms developed to predict the effect of missense changes on protein structure and function are either unavailable or do not agree on the potential impact of this missense change (SIFT: "Deleterious"; PolyPhen-2: "Possibly Damaging"; Align-GVGD: "Class C0"). This variant has not been reported in the literature in individuals affected with HMCN1-related conditions. This variant is present in population databases (rs756344375, gnomAD 0.006%). This sequence change replaces isoleucine, which is neutral and non-polar, with threonine, which is neutral and polar, at codon 1849 of the HMCN1 protein (p.Ile1849Thr).